The following is an entry in ClinVar:

NM_001370298.3(FGD4):c.719_733del (p.Glu240_Ala244del)

Gene: FGD4 (FYVE, RhoGEF and PH domain containing 4; plus strand). Cytogenetic location: 12p11.21.
Variant type: Deletion.
Coding change: c.719_733del on transcript NM_001370298.3 (MANE Select); coding-DNA positions 719 to 733, 15 bases deleted (AGGAGGAGAAAGCTG).
Protein change: p.Glu240_Ala244del.
Molecular consequence: inframe deletion. On other transcripts: inframe indel (1), 5 prime UTR variant (2), non-coding transcript variant (1), intron variant (1).
Genome position (GRCh38, 1-based): chr12:32,582,175-32,582,189, AGGAGGAGAAAGCTG deleted; deleting any 15 consecutive bases within chr12:32,582,173-32,582,189 gives the same sequence; the c. name uses the placement nearest the transcript's 3' end. VCF-style (leftmost placement, unchanged base first): chr12-32582172-GTGAGGAGGAGAAAGC-G. GRCh37 (hg19) VCF-style: chr12-32735106-GTGAGGAGGAGAAAGC-G.
Other names: p.Glu103_Ala107del; c.308_322delAGGAGGAGAAAGCTG (NM_139241.3); c.308_322del15 (NM_139241.2); c.563_577delAGGAGGAGAAAGCTG, p.Glu188_Ala192del (NM_001304481.2); c.-537_-523del (NM_001304483.2); c.-844_-830del (NM_001304484.2); c.29_43del, p.Glu10_Ala14del (NM_001330373.2, NM_001330374.2, NM_001384130.1); c.719_733del, p.Glu240_Ala244del (NM_001384126.1); and 2 more.
Identifiers: ClinVar variation 654496 (VCV000654496.10), dbSNP rs1314855895, ClinGen allele CA604481854.

ClinVar aggregate classification (germline): Uncertain significance. Review status: criteria provided, multiple submitters, no conflicts (2 of 4 stars). 3 submissions from 3 submitters: Uncertain significance (3). Last evaluated 2024-02-16.

Conditions:
Inborn genetic diseases. Identifiers: MedGen C0950123, MeSH D030342.
Charcot-Marie-Tooth disease type 4. Also called: Charcot-Marie-Tooth disease, type IV; Charcot-Marie-Tooth, Type 4. Identifiers: Orphanet 64749, MedGen C4082197, MONDO:0018995.

Submissions (3):

Mayo Clinic Laboratories, Mayo Clinic
Classification: Uncertain significance. Last evaluated: 2024-02-16. Review status: criteria provided, single submitter. Criteria: ACMG Guidelines, 2015. Collection method: clinical testing. Allele origin: germline. Observed: 1 variant allele.
Comment: PM2, PM4

Labcorp Genetics (formerly Invitae), Labcorp
Classification: Uncertain significance for Charcot-Marie-Tooth disease type 4. Last evaluated: 2022-07-09. Review status: criteria provided, single submitter. Criteria: Invitae Variant Classification Sherloc (09022015). Collection method: clinical testing. Allele origin: germline.
Comment: This variant, c.308_322del, results in the deletion of 5 amino acid(s) of the FGD4 protein (p.Glu103_Ala107del), but otherwise preserves the integrity of the reading frame. This variant is present in population databases (no rsID available, gnomAD 0.0009%). This variant has not been reported in the literature in individuals affected with FGD4-related conditions. ClinVar contains an entry for this variant (Variation ID: 654496). Experimental studies and prediction algorithms are not available or were not evaluated, and the functional significance of this variant is currently unknown. In summary, the available evidence is currently insufficient to determine the role of this variant in disease. Therefore, it has been classified as a Variant of Uncertain Significance.

Ambry Genetics
Classification: Uncertain significance for Inborn genetic diseases. Last evaluated: 2020-10-28. Review status: criteria provided, single submitter. Criteria: Ambry Variant Classification Scheme 2023. Collection method: clinical testing. Allele origin: germline.
Comment: The c.308_322del15 variant (also known as p.E103_A107del) is located in coding exon 2 of the FGD4 gene. This variant results from an in-frame deletion of 15 nucleotides at nucleotide positions 308 to 322. This results in the in-frame deletion of 5 amino acids between codons 103 and 107. This amino acid region is not well conserved in available vertebrate species. In addition, this alteration is predicted to be deleterious by in silico analysis (Choi Y et al. PLoS ONE. 2012; 7(10):e46688). Since supporting evidence is limited at this time, the clinical significance of this alteration remains unclear.